The following is an entry in ClinVar:

ClinVar aggregate classification (germline): Conflicting classifications of pathogenicity. Review status: criteria provided, conflicting classifications (1 of 4 stars). 2 submissions from 2 submitters: Likely pathogenic (1); Uncertain significance (1). Last evaluated 2025-10-03.

Conditions:
Intellectual developmental disorder, X-linked 1. Also called: Intellectual disability, X-linked 1; Atkin Flaitz Patil Smith syndrome; MENTAL RETARDATION, X-LINKED 18; MENTAL RETARDATION, X-LINKED 78. Identifiers: Orphanet 777, MedGen C2931498, MONDO:0010656, OMIM 309530.

Submissions (2):

Labcorp Genetics (formerly Invitae), Labcorp
Classification: Uncertain significance for Intellectual developmental disorder, X-linked 1. Last evaluated: 2025-10-03. Review status: criteria provided, single submitter. Criteria: Invitae Variant Classification Sherloc (09022015). Collection method: clinical testing. Allele origin: germline.
Comment: This sequence change replaces isoleucine, which is neutral and non-polar, with valine, which is neutral and non-polar, at codon 803 of the IQSEC2 protein (p.Ile803Val). This variant is not present in population databases (gnomAD no frequency). This variant has not been reported in the literature in individuals affected with IQSEC2-related conditions. ClinVar contains an entry for this variant (Variation ID: 421878). Invitae Evidence Modeling of protein sequence and biophysical properties (such as structural, functional, and spatial information, amino acid conservation, physicochemical variation, residue mobility, and thermodynamic stability) indicates that this missense variant is not expected to disrupt IQSEC2 protein function with a negative predictive value of 95%. Algorithms developed to predict the effect of sequence changes on RNA splicing suggest that this variant may disrupt the consensus splice site. In summary, the available evidence is currently insufficient to determine the role of this variant in disease. Therefore, it has been classified as a Variant of Uncertain Significance.

GeneDx
Classification: Likely pathogenic. Last evaluated: 2016-08-07. Review status: criteria provided, single submitter. Criteria: GeneDx Variant Classification (06012015). Collection method: clinical testing. Allele origin: germline. Affected: yes.
Comment: The c.2407 A>G variant has not been published as a pathogenic variant, nor has it been reported as a benign variant to our knowledge. It was not observed in approximately 6,500 individuals of European and African American ancestry in the NHLBI Exome Sequencing Project, indicating it is not a common benign variant in these populations. Several in-silico splice prediction models predict that c.2407 A>G creates a cryptic donor site which may supplant the natural donor/acceptor site and lead to abnormal gene splicing. However, in the absence of RNA/functional studies, the actual effect of this sequence change in this individual is unknown. If c.2407 A>G does not affect splicing, it will result in an I803V missense change. The I803V variant is a conservative amino acid substitution, which is not likely to impact secondary protein structure as these residues share similar properties. However, this substitution occurs at a position that is conserved across species. In silico analysis is inconsistent in its predictions as to whether or not the I803V variant is damaging to the protein structure/function. Therefore, this variant is likely pathogenic; however, the possibility that it is benign cannot be excluded.

NM_001111125.3(IQSEC2):c.2407A>G (p.Ile803Val)

Gene: IQSEC2 (IQ motif and Sec7 domain ArfGEF 2; minus strand). Cytogenetic location: Xp11.22.
Variant type: single nucleotide variant.
Coding change: c.2407A>G on transcript NM_001111125.3 (MANE Select); coding-DNA position 2407, A replaced by G.
Protein change: p.Ile803Val; replaces isoleucine 803 with valine.
Molecular consequence: missense variant.
Genome position (GRCh38, 1-based): chrX:53,248,773, T>C on the plus strand (A>G on the coding strand, the complement: IQSEC2 is on the minus strand). VCF-style: chrX-53248773-T-C. GRCh37 (hg19) VCF-style: chrX-53277955-T-C.
Other names: c.1792A>G, p.Ile598Val (NM_015075.2); short protein forms I803V, I598V.
Identifiers: ClinVar variation 421878 (VCV000421878.3), dbSNP rs1064795421, ClinGen allele CA16621444.
Genomic context (GRCh38, chrX:53,248,773, plus strand): 5'-GTCCTCACTCCAACACGTCTCTGTTGAACTGCTTCTGCCGGTTCCCTAGGAATTCCCCTA[T>C]CATCTGCCGGCTGAGGCCTTTCCGCTCCAGGATGAAGTGAGCCACTCCCACCGGTGTGTC-3'
Protein context (NP_001104595.1, residues 793-813): LERKGLSRQM[Ile803Val]GEFLGNRQKQ